The following is an entry in ClinVar:

NM_000447.3(PSEN2):c.770G>T (p.Gly257Val)

Gene: PSEN2 (presenilin 2; plus strand). Cytogenetic location: 1q42.13.
Variant type: single nucleotide variant.
Coding change: c.770G>T on transcript NM_000447.3 (MANE Select); coding-DNA position 770, G replaced by T.
Protein change: p.Gly257Val; replaces glycine 257 with valine.
Molecular consequence: missense variant.
Genome position (GRCh38, 1-based): chr1:226,889,032, G>T. VCF-style: chr1-226889032-G-T. GRCh37 (hg19) VCF-style: chr1-227076733-G-T.
Other names: c.770G>T, p.Gly257Val (NM_001437537.1, NM_012486.3); short protein forms G257V.
Identifiers: ClinVar variation 4853471 (VCV004853471.1).

ClinVar aggregate classification (germline): Uncertain significance (1 of 4 stars; one submission).

gnomAD v4.1: 7 of 1,613,786 alleles (0.00043%); highest among the groups gnomAD compares: Non-Finnish European, 0.00059%; no homozygotes.

Submission:

Women's Health and Genetics/Laboratory Corporation of America, LabCorp
Classification: Uncertain significance. Last evaluated: 2026-05-07. Review status: criteria provided, single submitter. Criteria: LabCorp Variant Classification Summary - May 2015. Collection method: clinical testing. Allele origin: germline.
Comment: Variant summary: PSEN2 c.770G>T (p.Gly257Val) results in a non-conservative amino acid change in the encoded protein sequence. Algorithms developed to predict the effect of missense changes on protein structure and function all suggest that this variant is likely to be disruptive. The variant was absent in 249282 control chromosomes. The available data on variant occurrences in the general population are insufficient to allow any conclusion about variant significance. To our knowledge, no occurrence of c.770G>T in individuals affected with PSEN2-related conditions and no experimental evidence demonstrating its impact on protein function have been reported. No submitters have cited clinical-significance assessments for this variant to ClinVar. Based on the evidence outlined above, the variant was classified as uncertain significance.